The following is an entry in ClinVar:

ClinVar aggregate classification (germline): Conflicting classifications of pathogenicity. Review status: criteria provided, conflicting classifications (1 of 4 stars). 4 submissions from 4 submitters: Uncertain significance (1); Likely benign (2). 1 of the submissions does not count toward it. Last evaluated 2026-01-19.

Conditions:
PKHD1-related disorder. Also called: PKHD1-related condition.
Autosomal recessive polycystic kidney disease (ARPKD). Also called: AR polycystic kidney disease. Identifiers: Orphanet 731, Orphanet 8378, MedGen C0085548, MeSH D017044, MONDO:0009889.

Allele frequency attached by ClinVar (database versions not stated): ExAC 0.00002; gnomAD exomes 0.00004 and 0.00013; gnomAD 0.00014; TOPMed 0.00015.
gnomAD v4.1: 227 of 1,613,930 alleles (0.014%); highest among the groups gnomAD compares: Non-Finnish European, 0.017%; no homozygotes.

Submissions (4):

Labcorp Genetics (formerly Invitae), Labcorp
Classification: Likely benign for Autosomal recessive polycystic kidney disease. Last evaluated: 2026-01-19. Review status: criteria provided, single submitter. Criteria: Invitae Variant Classification Sherloc (09022015). Collection method: clinical testing. Allele origin: germline.

PreventionGenetics, part of Exact Sciences
Classification: Likely benign for PKHD1-related condition. Last evaluated: 2025-09-28. Review status: criteria provided, single submitter. Criteria: ACMG Guidelines, 2015. Collection method: clinical testing. Allele origin: germline.
Comment: This variant is classified as likely benign based on ACMG/AMP sequence variant interpretation guidelines (Richards et al. 2015 PMID: 25741868, with internal and published modifications).

Illumina Laboratory Services, Illumina
Classification: Uncertain significance for Polycystic kidney disease 4. Last evaluated: 2018-01-13. Review status: criteria provided, single submitter. Criteria: ICSL Variant Classification Criteria 13 December 2019. Collection method: clinical testing. Allele origin: germline.

Natera, Inc.
Classification: Likely benign for Autosomal recessive polycystic kidney disease. Last evaluated: 2020-05-01. Review status: no assertion criteria provided. Collection method: clinical testing. Allele origin: germline. Not counted in ClinVar's aggregate classification.

NM_138694.4(PKHD1):c.1848A>T (p.Ala616=)

Gene: PKHD1 (PKHD1 ciliary IPT domain containing fibrocystin/polyductin; minus strand). Cytogenetic location: 6p12.2.
Variant type: single nucleotide variant.
Coding change: c.1848A>T on transcript NM_138694.4 (MANE Select); coding-DNA position 1848, A replaced by T.
Protein change: p.Ala616=; no amino-acid change (alanine 616 retained).
Molecular consequence: synonymous variant.
Genome position (GRCh38, 1-based): chr6:52,054,154, T>A on the plus strand (A>T on the coding strand, the complement: PKHD1 is on the minus strand). VCF-style: chr6-52054154-T-A. GRCh37 (hg19) VCF-style: chr6-51918952-T-A.
Other names: c.1848A>T, p.Ala616= (NM_170724.3).
Identifiers: ClinVar variation 357448 (VCV000357448.18), dbSNP rs776570716, ClinGen allele CA3853410.